The following is an entry in ClinVar:

NM_003072.5(SMARCA4):c.4892G>A (p.Ser1631Asn)

Gene: SMARCA4 (SWI/SNF related BAF chromatin remodeling complex subunit ATPase 4; plus strand). Cytogenetic location: 19p13.2.
Variant type: single nucleotide variant.
Coding change: c.4892G>A on transcript NM_003072.5 (MANE Select); coding-DNA position 4892, G replaced by A.
Protein change: p.Ser1631Asn; replaces serine 1631 with asparagine.
Molecular consequence: missense variant. On other transcripts: non-coding transcript variant (1).
Genome position (GRCh38, 1-based): chr19:11,060,168, G>A. VCF-style: chr19-11060168-G-A. GRCh37 (hg19) VCF-style: chr19-11170844-G-A.
Other names: c.4892G>A, p.Ser1631Asn (NM_001128844.3); c.4802G>A, p.Ser1601Asn (NM_001128845.2); c.4799G>A, p.Ser1600Asn (NM_001128846.2); c.4793G>A, p.Ser1598Asn (NM_001128847.4, NM_001374457.1); c.4790G>A, p.Ser1597Asn (NM_001128848.2); c.4988G>A, p.Ser1663Asn (NM_001128849.3, NM_001387283.1); c.4889G>A, p.Ser1630Asn (NM_001411150.1); short protein forms S1597N, S1630N, S1598N, S1601N, S1663N, S1600N, S1631N.
Identifiers: ClinVar variation 3630432 (VCV003630432.2).

ClinVar aggregate classification (germline): Uncertain significance (1 of 4 stars; one submission).

Conditions:
Rhabdoid tumor predisposition syndrome 2 (RTPS2). Identifiers: Orphanet 231108, Orphanet 69077, MedGen C2750074, MONDO:0013224, OMIM 613325.

Submission:

Labcorp Genetics (formerly Invitae), Labcorp
Classification: Uncertain significance for Rhabdoid tumor predisposition syndrome 2. Last evaluated: 2024-10-22. Review status: criteria provided, single submitter. Criteria: Invitae Variant Classification Sherloc (09022015). Collection method: clinical testing. Allele origin: germline.
Comment: This sequence change replaces serine, which is neutral and polar, with asparagine, which is neutral and polar, at codon 1663 of the SMARCA4 protein (p.Ser1663Asn). This variant is not present in population databases (gnomAD no frequency). This variant has not been reported in the literature in individuals affected with SMARCA4-related conditions. Invitae Evidence Modeling of protein sequence and biophysical properties (such as structural, functional, and spatial information, amino acid conservation, physicochemical variation, residue mobility, and thermodynamic stability) has been performed for this missense variant. However, the output from this modeling did not meet the statistical confidence thresholds required to predict the impact of this variant on SMARCA4 protein function. In summary, the available evidence is currently insufficient to determine the role of this variant in disease. Therefore, it has been classified as a Variant of Uncertain Significance.